The following is an entry in ClinVar:

NM_001394062.1(MACF1):c.14733T>C (p.His4911=)

Genes: MACF1 (microtubule actin crosslinking factor 1; plus strand), LOC114803468 (MACF1 eExon liver enhancer; plus strand). Cytogenetic location: 1p34.3.
Variant type: single nucleotide variant.
Coding change: c.14733T>C on transcript NM_001394062.1 (MANE Select); coding-DNA position 14733, T replaced by C.
Protein change: p.His4911=; no amino-acid change (histidine 4911 retained).
Molecular consequence: synonymous variant.
Genome position (GRCh38, 1-based): chr1:39,387,575, T>C. VCF-style: chr1-39387575-T-C. GRCh37 (hg19) VCF-style: chr1-39853247-T-C.
Other names: c.8547T>C, p.His2849= (NM_012090.5).
Identifiers: ClinVar variation 3041786 (VCV003041786.5), dbSNP rs370194996, ClinGen allele CA782296.
Genomic context (GRCh38, chr1:39,387,575, plus strand): 5'-TGCAGACAGACAATCCAGGCTCAAGGATTGTATGCAGAAAGCTCAGAAATATCAGTGGCA[T>C]GTGGAAGACCTTGTGCCATGGATAGAAGATTGTAAAGCTAAGATGTCTGAGTTGCGAGTC-3'
Protein context (NP_001380991.1, residues 4901-4921): CMQKAQKYQW[His4911=]VEDLVPWIED

ClinVar aggregate classification (germline): Benign/Likely benign. Review status: criteria provided, multiple submitters, no conflicts (2 of 4 stars). 3 submissions from 3 submitters: Benign (1); Likely benign (1). 1 of the submissions does not count toward it. Last evaluated 2024-11-25.

Conditions:
MACF1-related disorder. Also called: MACF1-related condition.

Allele frequency attached by ClinVar (database versions not stated): gnomAD exomes 0.00004; gnomAD 0.00011; TOPMed 0.00015; ExAC 0.00016; 1000 Genomes Project 0.00020; 1000 Genomes Project 30x 0.00031.
gnomAD v4.1: 136 of 1,614,144 alleles (0.0084%); highest among the groups gnomAD compares: East Asian, 0.082%; 2 homozygotes.

Submissions (3):

Labcorp Genetics (formerly Invitae), Labcorp
Classification: Benign. Last evaluated: 2024-11-25. Review status: criteria provided, single submitter. Criteria: Invitae Variant Classification Sherloc (09022015). Collection method: clinical testing. Allele origin: germline.

Blueprint Genetics
Classification: Likely benign. Last evaluated: 2024-05-21. Review status: criteria provided, single submitter. Criteria: ACMG Guidelines, 2015. Collection method: clinical testing. Allele origin: germline.

PreventionGenetics, part of Exact Sciences
Classification: Likely benign for MACF1-related condition. Last evaluated: 2019-02-26. Review status: no assertion criteria provided. Collection method: clinical testing. Allele origin: germline. Not counted in ClinVar's aggregate classification.
Comment: This variant is classified as likely benign based on ACMG/AMP sequence variant interpretation guidelines (Richards et al. 2015 PMID: 25741868, with internal and published modifications).